The following is an entry in ClinVar:

NM_001366385.1(CARD14):c.2184T>G (p.Asp728Glu)

Genes: CARD14 (caspase recruitment domain family member 14; plus strand), SGSH (N-sulfoglucosamine sulfohydrolase; minus strand). Cytogenetic location: 17q25.3.
Variant type: single nucleotide variant.
Coding change: c.2184T>G on transcript NM_001366385.1 (MANE Select); coding-DNA position 2184, T replaced by G.
Protein change: p.Asp728Glu; replaces aspartic acid 728 with glutamic acid.
Molecular consequence: missense variant. On other transcripts: non-coding transcript variant (1).
Genome position (GRCh38, 1-based): chr17:80,202,385, T>G. VCF-style: chr17-80202385-T-G. GRCh37 (hg19) VCF-style: chr17-78176184-T-G.
Other names: c.2184T>G, p.Asp728Glu (NM_001257970.1, NM_024110.4); short protein forms D728E.
Identifiers: ClinVar variation 4791191 (VCV004791191.1).

ClinVar aggregate classification (germline): Uncertain significance (1 of 4 stars; one submission).

Conditions:
Pityriasis rubra pilaris (PRP). Also called: Pityriasis rubra pilaris--familial type. Identifiers: Orphanet 2897, MedGen C0032027, MONDO:0100017, OMIM 173200, MONDO:0008251.
Psoriasis 2. Identifiers: MedGen C1864497, MONDO:0011269, OMIM 602723.

gnomAD v4.1: 1 of 1,613,100 alleles (0.000062%); highest among the groups gnomAD compares: Admixed American, 0.0017%; no homozygotes.

Submission:

Labcorp Genetics (formerly Invitae), Labcorp
Classification: Uncertain significance for Pityriasis rubra pilaris; Psoriasis 2. Last evaluated: 2025-11-25. Review status: criteria provided, single submitter. Criteria: Invitae Variant Classification Sherloc (09022015). Collection method: clinical testing. Allele origin: germline.
Comment: This sequence change replaces aspartic acid, which is acidic and polar, with glutamic acid, which is acidic and polar, at codon 728 of the CARD14 protein (p.Asp728Glu). This variant is not present in population databases (gnomAD no frequency). This variant has not been reported in the literature in individuals affected with CARD14-related conditions. Invitae Evidence Modeling of protein sequence and biophysical properties (such as structural, functional, and spatial information, amino acid conservation, physicochemical variation, residue mobility, and thermodynamic stability) indicates that this missense variant is not expected to disrupt CARD14 protein function with a negative predictive value of 95%. In summary, the available evidence is currently insufficient to determine the role of this variant in disease. Therefore, it has been classified as a Variant of Uncertain Significance.